The following is an entry in ClinVar:

ClinVar aggregate classification (germline): Uncertain significance (1 of 4 stars; one submission).

Conditions:
Hereditary cancer-predisposing syndrome. Also called: Neoplastic Syndromes, Hereditary; Tumor predisposition; Hereditary neoplastic syndrome; Hereditary Cancer Syndrome. Identifiers: Orphanet 140162, MedGen C0027672, MeSH D009386, MONDO:0015356.

Submission:

Ambry Genetics
Classification: Uncertain significance for Hereditary cancer-predisposing syndrome. Last evaluated: 2015-05-13. Review status: criteria provided, single submitter. Criteria: Ambry Variant Classification Scheme 2023. Collection method: clinical testing. Allele origin: germline.
Comment: The c.*14C>T alteration is located in the 3' untranslated region (3'UTR) of the STK11 gene. This alteration consists of a deletion of 1 nucleotides after the last coding exon of the STK11 gene. Based on insufficient or conflicting evidence, the clinical significance of this alteration remains unclear.

NM_000455.5(STK11):c.*14C>T

Gene: STK11 (serine/threonine kinase 11; plus strand). Cytogenetic location: 19p13.3.
Variant type: single nucleotide variant.
Coding change: c.*14C>T on transcript NM_000455.5 (MANE Select); 14 bases downstream of the stop codon, C replaced by T.
Molecular consequence: 3 prime UTR variant. On other transcripts: non-coding transcript variant (1).
Genome position (GRCh38, 1-based): chr19:1,226,661, C>T. VCF-style: chr19-1226661-C-T. GRCh37 (hg19) VCF-style: chr19-1226660-C-T.
Identifiers: ClinVar variation 3076191 (VCV003076191.1), dbSNP rs2145436737, ClinGen allele CA2514206637.